The following is an entry in ClinVar:

ClinVar aggregate classification (germline): Uncertain significance (1 of 4 stars; one submission).

Conditions:
Osteogenesis imperfecta type 8 (OI8). Identifiers: MedGen C1970458, MONDO:0012581, OMIM 610915.

Allele frequency attached by ClinVar (database versions not stated): TOPMed below 0.00001.

Submission:

Labcorp Genetics (formerly Invitae), Labcorp
Classification: Uncertain significance for Osteogenesis imperfecta type 8. Last evaluated: 2021-11-05. Review status: criteria provided, single submitter. Criteria: Invitae Variant Classification Sherloc (09022015). Collection method: clinical testing. Allele origin: germline.
Comment: This sequence change replaces leucine, which is neutral and non-polar, with valine, which is neutral and non-polar, at codon 341 of the P3H1 protein (p.Leu341Val). This variant is not present in population databases (gnomAD no frequency). This variant has not been reported in the literature in individuals affected with P3H1-related conditions. Algorithms developed to predict the effect of missense changes on protein structure and function (SIFT, PolyPhen-2, Align-GVGD) all suggest that this variant is likely to be tolerated. In summary, the available evidence is currently insufficient to determine the role of this variant in disease. Therefore, it has been classified as a Variant of Uncertain Significance.

NM_022356.4(P3H1):c.1021T>G (p.Leu341Val)

Gene: P3H1 (prolyl 3-hydroxylase 1; minus strand). Cytogenetic location: 1p34.2.
Variant type: single nucleotide variant.
Coding change: c.1021T>G on transcript NM_022356.4 (MANE Select); coding-DNA position 1021, T replaced by G.
Protein change: p.Leu341Val; replaces leucine 341 with valine.
Molecular consequence: missense variant.
Genome position (GRCh38, 1-based): chr1:42,757,842, A>C on the plus strand (T>G on the coding strand, the complement: P3H1 is on the minus strand). VCF-style: chr1-42757842-A-C. GRCh37 (hg19) VCF-style: chr1-43223513-A-C.
Other names: c.1021T>G, p.Leu341Val (NM_001146289.2, NM_001243246.2); short protein forms L341V.
Identifiers: ClinVar variation 1391480 (VCV001391480.6), dbSNP rs1652488613, ClinGen allele CA339958905.